The following is an entry in ClinVar:

NM_005257.6(GATA6):c.1418_1424del (p.Lys473fs)

Gene: GATA6 (GATA binding protein 6; plus strand). Cytogenetic location: 18q11.2.
Variant type: Deletion.
Coding change: c.1418_1424del on transcript NM_005257.6 (MANE Select); coding-DNA positions 1418 to 1424, 7 bases deleted (AACTCCA; older notation c.1418_1424delAACTCCA).
Protein change: p.Lys473fs; shifts the reading frame from lysine 473.
Molecular consequence: frameshift variant.
Genome position (GRCh38, 1-based): chr18:22,181,568-22,181,574, AACTCCA deleted; deleting any 7 consecutive bases within chr18:22,181,567-22,181,574 gives the same sequence; the c. name uses the placement nearest the transcript's 3' end. VCF-style (leftmost placement, unchanged base first): chr18-22181566-GAAACTCC-G. GRCh37 (hg19) VCF-style: chr18-19761527-GAAACTCC-G.
Other names: short protein forms K473fs.
Identifiers: ClinVar variation 1382320 (VCV001382320.6), dbSNP rs2143300954, ClinGen allele CA2573155178.

ClinVar aggregate classification (germline): Pathogenic (1 of 4 stars; one submission).

Conditions:
Atrioventricular septal defect 5 (AVSD5). Identifiers: MedGen C3280939, MONDO:0013769, OMIM 614474.

Submission:

Labcorp Genetics (formerly Invitae), Labcorp
Classification: Pathogenic for Atrioventricular septal defect 5. Last evaluated: 2020-12-11. Review status: criteria provided, single submitter. Criteria: Invitae Variant Classification Sherloc (09022015). Collection method: clinical testing. Allele origin: germline.
Comment: This variant has not been reported in the literature in individuals with GATA6-related conditions. For these reasons, this variant has been classified as Pathogenic. This variant is not present in population databases (ExAC no frequency). This sequence change creates a premature translational stop signal (p.Lys473Metfs*9) in the GATA6 gene. It is expected to result in an absent or disrupted protein product. Loss-of-function variants in GATA6 are known to be pathogenic (PMID: 22158542, 24310933).

Literature cited by the submitters: PubMed 22158542; PubMed 24310933.